The following is an entry in ClinVar:

ClinVar aggregate classification (germline): Pathogenic (1 of 4 stars; one submission).

Conditions:
Methylmalonic aciduria, cblA type (MACA). Also called: Vitamin B12-responsive methylmalonic acidemia type cblA; Methylmalonic aciduria, vitamin b12-responsive, due to defect in synthesis of adenosylcobalamin, cbla complementation type; MMA cbl A type; Methylmalonic acidemia cblA type; Methylmalonic aciduria, vitamin B12-responsive. Identifiers: Orphanet 28, Orphanet 79310, MedGen C1855109, MONDO:0009613, OMIM 251100.

Submission:

Labcorp Genetics (formerly Invitae), Labcorp
Classification: Pathogenic for Methylmalonic aciduria, cblA type. Last evaluated: 2024-10-21. Review status: criteria provided, single submitter. Criteria: Invitae Variant Classification Sherloc (09022015). Collection method: clinical testing. Allele origin: germline.
Comment: This sequence change creates a premature translational stop signal (p.Ile238Asnfs*4) in the MMAA gene. It is expected to result in an absent or disrupted protein product. Loss-of-function variants in MMAA are known to be pathogenic (PMID: 15523652, 15781192). This variant is not present in population databases (gnomAD no frequency). This variant has not been reported in the literature in individuals affected with MMAA-related conditions. ClinVar contains an entry for this variant (Variation ID: 2044227). For these reasons, this variant has been classified as Pathogenic.

Literature cited by the submitters: PubMed 15523652; PubMed 15781192.

NM_172250.3(MMAA):c.713_714del (p.Ile238fs)

Gene: MMAA (metabolism of cobalamin associated A; plus strand). Cytogenetic location: 4q31.21.
Variant type: Deletion.
Coding change: c.713_714del on transcript NM_172250.3 (MANE Select); coding-DNA positions 713 to 714, 2 bases deleted (TA; older notation c.713_714delTA).
Protein change: p.Ile238fs; shifts the reading frame from isoleucine 238.
Molecular consequence: frameshift variant.
Genome position (GRCh38, 1-based): chr4:145,646,136-145,646,137, TA deleted; deleting any 2 consecutive bases within chr4:145,646,135-145,646,137 gives the same sequence; the c. name uses the placement nearest the transcript's 3' end. VCF-style (leftmost placement, unchanged base first): chr4-145646134-CAT-C. GRCh37 (hg19) VCF-style: chr4-146567286-CAT-C.
Other names: c.713_714del, p.Ile238fs (NM_001375644.1); short protein forms I238fs.
Identifiers: ClinVar variation 2044227 (VCV002044227.4), dbSNP rs1727923462, ClinGen allele CA1501199675.